The following is an entry in ClinVar:

ClinVar aggregate classification (germline): Pathogenic (1 of 4 stars; one submission).

Submission:

Labcorp Genetics (formerly Invitae), Labcorp
Classification: Pathogenic. Last evaluated: 2021-08-04. Review status: criteria provided, single submitter. Criteria: Invitae Variant Classification Sherloc (09022015). Collection method: clinical testing. Allele origin: germline.
Comment: For these reasons, this variant has been classified as Pathogenic. This variant has not been reported in the literature in individuals with SLC9A3-related conditions. This variant is not present in population databases (ExAC no frequency). This sequence change creates a premature translational stop signal (p.Val266Trpfs*10) in the SLC9A3 gene. It is expected to result in an absent or disrupted protein product. Loss-of-function variants in SLC9A3 are known to be pathogenic (PMID: 26358773).

Literature cited by the submitters: PubMed 26358773.

NM_004174.4(SLC9A3):c.796del (p.Val266fs)

Gene: SLC9A3 (solute carrier family 9 member A3). Cytogenetic location: 5p15.33.
Variant type: Deletion.
Coding change: c.796del on transcript NM_004174.4 (MANE Select); coding-DNA position 796, one base deleted.
Protein change: p.Val266fs; shifts the reading frame from valine 266.
Molecular consequence: frameshift variant.
Genome position: GRCh38 VCF-style: chr5-484655-AC-A. GRCh37 (hg19) VCF-style: chr5-484770-AC-A.
Other names: c.796del, p.Val266fs (NM_001284351.3); short protein forms V266fs.
Identifiers: ClinVar variation 1358263 (VCV001358263.6), dbSNP rs2126621163, ClinGen allele CA2573139579.
Genomic context (GRCh38, chr5:484,655, plus strand): 5'-TCGATGATACGCACATGCTTGGTGAAGCGCGTCACCAGCGACAGCAGGAAGGCGAAGACC[AC>A]CCCCACCAGCGTGCCCCCCAGGCTCACCACGAAGAAGGACACTGGGTAGAGGACGCCCTT-3'